The following is an entry in ClinVar:

NM_006306.4(SMC1A):c.1255-17_1255del

Gene: SMC1A (structural maintenance of chromosomes 1A; minus strand). Cytogenetic location: Xp11.22.
Variant type: Deletion.
Coding change: c.1255-17_1255del on transcript NM_006306.4 (MANE Select); 17 bases into the intron before coding-DNA position 1255 through coding-DNA position 1255, 18 bases deleted (GAATGTTTGTTTCCCAGG).
Molecular consequence: splice acceptor variant.
Genome position (GRCh38, 1-based): chrX:53,409,503-53,409,520, CCTGGGAAACAAACATTC deleted on the plus strand (GAATGTTTGTTTCCCAGG on the coding strand, the reverse complement: SMC1A is on the minus strand); deleting any 18 consecutive bases within chrX:53,409,503-53,409,521 gives the same sequence; the c. name uses the placement nearest the transcript's 3' end. VCF-style (leftmost placement, unchanged base first): chrX-53409502-GCCTGGGAAACAAACATTC-G. GRCh37 (hg19) VCF-style: chrX-53436433-GCCTGGGAAACAAACATTC-G.
Other names: c.1189-17_1189del (NM_001281463.1).
Identifiers: ClinVar variation 5040169 (VCV005040169.1).
Genomic context (GRCh38, chrX:53,409,502, plus strand): 5'-TCCAGTTTCTCAATCCGCTTCTGATTCTCTTCAATTTCCCGCAGCTTTTGCTTGATCTTG[GCCTGGGAAACAAACATTC>G]CATCATCAGGGGCTGCACGAGTTTACGCCAAGACCATGGGGGCTCTAGATCACACCCTTT-3'

ClinVar aggregate classification (germline): Pathogenic (1 of 4 stars; one submission).

Submission:

CeGaT Center for Human Genetics Tuebingen
Classification: Pathogenic. Last evaluated: 2026-07-01. Review status: criteria provided, single submitter. Criteria: CeGaT Center For Human Genetics Tuebingen Variant Classification Criteria Version 2. Collection method: clinical testing. Allele origin: germline. Affected: yes. Observed: 1 variant allele.
Comment: SMC1A: PVS1, PM2